The following is an entry in ClinVar:

ClinVar aggregate classification (germline): Uncertain significance. Review status: criteria provided, multiple submitters, no conflicts (2 of 4 stars). 2 submissions from 2 submitters: Uncertain significance (2). Last evaluated 2025-07-03.

gnomAD v4.1: 6 of 1,613,508 alleles (0.00037%); highest among the groups gnomAD compares: African/African-American, 0.0027%; no homozygotes.

Submissions (2):

Women's Health and Genetics/Laboratory Corporation of America, LabCorp
Classification: Uncertain significance. Last evaluated: 2025-07-03. Review status: criteria provided, single submitter. Criteria: LabCorp Variant Classification Summary - May 2015. Collection method: clinical testing. Allele origin: germline.
Comment: Variant summary: COL11A2 c.3937C>A (p.Pro1313Thr) results in a non-conservative amino acid change in the encoded protein sequence. Algorithms developed to predict the effect of missense changes on protein structure and function all suggest that this variant is likely to be disruptive. The variant was absent in 247376 control chromosomes. The available data on variant occurrences in the general population are insufficient to allow any conclusion about variant significance. To our knowledge, no occurrence of c.3937C>A in individuals affected with Otospondylomegaepiphyseal Dysplasia and no experimental evidence demonstrating its impact on protein function have been reported. ClinVar contains an entry for this variant (Variation ID: 2152011). Based on the evidence outlined above, the variant was classified as uncertain significance.

Labcorp Genetics (formerly Invitae), Labcorp
Classification: Uncertain significance. Last evaluated: 2021-12-25. Review status: criteria provided, single submitter. Criteria: Invitae Variant Classification Sherloc (09022015). Collection method: clinical testing. Allele origin: germline.
Comment: This sequence change replaces proline, which is neutral and non-polar, with threonine, which is neutral and polar, at codon 1313 of the COL11A2 protein (p.Pro1313Thr). This variant is not present in population databases (gnomAD no frequency). This variant has not been reported in the literature in individuals affected with COL11A2-related conditions. Advanced modeling of protein sequence and biophysical properties (such as structural, functional, and spatial information, amino acid conservation, physicochemical variation, residue mobility, and thermodynamic stability) performed at Invitae indicates that this missense variant is not expected to disrupt COL11A2 protein function. In summary, the available evidence is currently insufficient to determine the role of this variant in disease. Therefore, it has been classified as a Variant of Uncertain Significance.

NM_080680.3(COL11A2):c.3937C>A (p.Pro1313Thr)

Gene: COL11A2 (collagen type XI alpha 2 chain; minus strand). Cytogenetic location: 6p21.32.
Variant type: single nucleotide variant.
Coding change: c.3937C>A on transcript NM_080680.3 (MANE Select); coding-DNA position 3937, C replaced by A.
Protein change: p.Pro1313Thr; replaces proline 1313 with threonine.
Molecular consequence: missense variant.
Genome position (GRCh38, 1-based): chr6:33,168,542, G>T on the plus strand (C>A on the coding strand, the complement: COL11A2 is on the minus strand). VCF-style: chr6-33168542-G-T. GRCh37 (hg19) VCF-style: chr6-33136319-G-T.
Other names: c.3616C>A, p.Pro1206Thr (NM_080679.3); c.3679C>A, p.Pro1227Thr (NM_080681.3); short protein forms P1206T, P1313T, P1227T.
Identifiers: ClinVar variation 2152011 (VCV002152011.3), dbSNP rs750882897, ClinGen allele CA363624632.